The following is an entry in ClinVar:

NM_012330.4(KAT6B):c.5426C>T (p.Pro1809Leu)

Gene: KAT6B (lysine acetyltransferase 6B; plus strand). Cytogenetic location: 10q22.2.
Variant type: single nucleotide variant.
Coding change: c.5426C>T on transcript NM_012330.4 (MANE Select); coding-DNA position 5426, C replaced by T.
Protein change: p.Pro1809Leu; replaces proline 1809 with leucine.
Molecular consequence: missense variant.
Genome position (GRCh38, 1-based): chr10:75,030,250, C>T. VCF-style: chr10-75030250-C-T. GRCh37 (hg19) VCF-style: chr10-76790008-C-T.
Other names: c.4550C>T, p.Pro1517Leu (NM_001370139.1, NM_001370140.1, NM_001370141.1 and 2 more transcripts); c.4361C>T, p.Pro1454Leu (NM_001370143.1, NM_001370144.1); c.5426C>T, p.Pro1809Leu (NM_001370137.1, NM_001370136.1); c.4877C>T, p.Pro1626Leu (NM_001370138.1, NM_001256468.2); c.5426C>T (NM_012330.2); c.4388C>T, p.Pro1463Leu (NM_001370132.1); c.3737C>T, p.Pro1246Leu (NM_001370133.1); c.3341C>T, p.Pro1114Leu (NM_001370134.1); and 1 more; short protein forms P1626L, P1114L, P1246L, P1454L, P1517L, P1028L, P1463L, P1809L.
Identifiers: ClinVar variation 1366489 (VCV001366489.7), dbSNP rs780359970, ClinGen allele CA5565197.

ClinVar aggregate classification (germline): Uncertain significance. Review status: criteria provided, multiple submitters, no conflicts (2 of 4 stars). 2 submissions from 2 submitters: Uncertain significance (2). Last evaluated 2025-12-23.

Conditions:
Inborn genetic diseases. Identifiers: MedGen C0950123, MeSH D030342.
Genitopatellar syndrome (GTPTS). Also called: Genitopatellar syndrome (GPS); ABSENT PATELLAE, SCROTAL HYPOPLASIA, RENAL ANOMALIES, FACIAL DYSMORPHISM, AND MENTAL RETARDATION. Identifiers: Orphanet 85201, MedGen C1853566, MONDO:0011640, OMIM 606170.

Allele frequency attached by ClinVar (database versions not stated): TOPMed 0.00001; gnomAD exomes below 0.00001; ExAC 0.00001; gnomAD 0.00001.
gnomAD v4.1: 9 of 1,614,106 alleles (0.00056%); highest among the groups gnomAD compares: African/African-American, 0.0013%; no homozygotes.

Submissions (2):

Labcorp Genetics (formerly Invitae), Labcorp
Classification: Uncertain significance for Genitopatellar syndrome. Last evaluated: 2025-12-23. Review status: criteria provided, single submitter. Criteria: Invitae Variant Classification Sherloc (09022015). Collection method: clinical testing. Allele origin: germline.
Comment: This sequence change replaces proline, which is neutral and non-polar, with leucine, which is neutral and non-polar, at codon 1809 of the KAT6B protein (p.Pro1809Leu). This variant is present in population databases (rs780359970, gnomAD 0.0009%). This variant has not been reported in the literature in individuals affected with KAT6B-related conditions. ClinVar contains an entry for this variant (Variation ID: 1366489). Invitae Evidence Modeling of protein sequence and biophysical properties (such as structural, functional, and spatial information, amino acid conservation, physicochemical variation, residue mobility, and thermodynamic stability) indicates that this missense variant is expected to disrupt KAT6B protein function with a positive predictive value of 80%. In summary, the available evidence is currently insufficient to determine the role of this variant in disease. Therefore, it has been classified as a Variant of Uncertain Significance.

Ambry Genetics
Classification: Uncertain significance for Inborn genetic diseases. Last evaluated: 2023-12-21. Review status: criteria provided, single submitter. Criteria: Ambry Variant Classification Scheme 2023. Collection method: clinical testing. Allele origin: germline.